The following is an entry in ClinVar:

NM_006180.6(NTRK2):c.2361C>A (p.Val787=)

Gene: NTRK2 (neurotrophic receptor tyrosine kinase 2; plus strand). Cytogenetic location: 9q21.33.
Variant type: single nucleotide variant.
Coding change: c.2361C>A on transcript NM_006180.6 (MANE Select); coding-DNA position 2361, C replaced by A.
Protein change: p.Val787=; no amino-acid change (valine 787 retained).
Molecular consequence: synonymous variant.
Genome position (GRCh38, 1-based): chr9:85,021,281, C>A. VCF-style: chr9-85021281-C-A. GRCh37 (hg19) VCF-style: chr9-87636196-C-A.
Other names: c.2313C>A, p.Val771= (NM_001018064.3, NM_001369532.1, NM_001369533.1); c.2277C>A, p.Val759= (NM_001369534.1); c.1845C>A, p.Val615= (NM_001369535.1); c.1893C>A, p.Val631= (NM_001369536.1).
Identifiers: ClinVar variation 777835 (VCV000777835.14), dbSNP rs144491317, ClinGen allele CA5105984.

ClinVar aggregate classification (germline): Benign. Review status: criteria provided, multiple submitters, no conflicts (2 of 4 stars). 3 submissions from 3 submitters: Benign (2). 1 of the submissions does not count toward it. Last evaluated 2026-02-03.

Conditions:
NTRK2-related disorder. Also called: NTRK2-related condition.

Allele frequency attached by ClinVar (database versions not stated): gnomAD exomes 0.00165 and 0.00328; ExAC 0.00338; 1000 Genomes Project 30x 0.00453; 1000 Genomes Project 0.00459; gnomAD 0.00637 and 0.00677; TOPMed 0.00682; ESP Exome Variant Server 0.00700.
gnomAD v4.1: 3,549 of 1,614,052 alleles (0.22%); highest among the groups gnomAD compares: African/African-American, 1.7%; 19 homozygotes.

Submissions (3):

Labcorp Genetics (formerly Invitae), Labcorp
Classification: Benign. Last evaluated: 2026-02-03. Review status: criteria provided, single submitter. Criteria: Invitae Variant Classification Sherloc (09022015). Collection method: clinical testing. Allele origin: germline.

Breakthrough Genomics
Classification: Benign. Review status: criteria provided, single submitter. Criteria: ACMG Guidelines, 2015. Collection method: not provided. Allele origin: germline. Inheritance: Autosomal dominant inheritance. Affected: yes.

PreventionGenetics, part of Exact Sciences
Classification: Benign for NTRK2-related condition. Last evaluated: 2019-04-17. Review status: no assertion criteria provided. Collection method: clinical testing. Allele origin: germline. Not counted in ClinVar's aggregate classification.
Comment: This variant is classified as benign based on ACMG/AMP sequence variant interpretation guidelines (Richards et al. 2015 PMID: 25741868, with internal and published modifications).